The following is an entry in ClinVar:

ClinVar aggregate classification (germline): Uncertain significance (1 of 4 stars; one submission).

Conditions:
Epileptic encephalopathy. Identifiers: MedGen C0543888, HP:0200134.

Allele frequency attached by ClinVar (database versions not stated): gnomAD exomes below 0.00001; TOPMed below 0.00001; ExAC 0.00001; ESP Exome Variant Server 0.00008.

Submission:

Labcorp Genetics (formerly Invitae), Labcorp
Classification: Uncertain significance for Epileptic encephalopathy. Last evaluated: 2022-06-27. Review status: criteria provided, single submitter. Criteria: Invitae Variant Classification Sherloc (09022015). Collection method: clinical testing. Allele origin: germline.
Comment: This sequence change replaces methionine, which is neutral and non-polar, with threonine, which is neutral and polar, at codon 423 of the GABBR2 protein (p.Met423Thr). In summary, the available evidence is currently insufficient to determine the role of this variant in disease. Therefore, it has been classified as a Variant of Uncertain Significance. Algorithms developed to predict the effect of missense changes on protein structure and function are either unavailable or do not agree on the potential impact of this missense change (SIFT: "Deleterious"; PolyPhen-2: "Probably Damaging"; Align-GVGD: "Class C0"). ClinVar contains an entry for this variant (Variation ID: 864224). This variant has not been reported in the literature in individuals affected with GABBR2-related conditions. This variant is present in population databases (rs372195874, gnomAD 0.002%).

NM_005458.8(GABBR2):c.1268T>C (p.Met423Thr)

Gene: GABBR2 (gamma-aminobutyric acid type B receptor subunit 2; minus strand). Cytogenetic location: 9q22.33.
Variant type: single nucleotide variant.
Coding change: c.1268T>C on transcript NM_005458.8 (MANE Select); coding-DNA position 1268, T replaced by C.
Protein change: p.Met423Thr; replaces methionine 423 with threonine.
Molecular consequence: missense variant.
Genome position (GRCh38, 1-based): chr9:98,406,110, A>G on the plus strand (T>C on the coding strand, the complement: GABBR2 is on the minus strand). VCF-style: chr9-98406110-A-G. GRCh37 (hg19) VCF-style: chr9-101168392-A-G.
Other names: short protein forms M423T.
Identifiers: ClinVar variation 864224 (VCV000864224.11), dbSNP rs372195874, ClinGen allele CA5152768.